The following is an entry in ClinVar:

ClinVar aggregate classification (germline): Uncertain significance (1 of 4 stars; one submission).

Conditions:
PLXNA4-related disorder. Also called: PLXNA4-related condition.

gnomAD v4.1: 7 of 1,614,136 alleles (0.00043%); highest among the groups gnomAD compares: Non-Finnish European, 0.00051%; no homozygotes.

Submission:

PreventionGenetics, part of Exact Sciences
Classification: Uncertain significance for PLXNA4-related condition. Last evaluated: 2026-04-25. Review status: criteria provided, single submitter. Criteria: ACMG Guidelines, 2015. Collection method: clinical testing. Allele origin: germline.
Comment: The PLXNA4 c.1435G>C variant is predicted to result in the amino acid substitution p.Gly479Arg. To our knowledge, this variant has not been reported in the literature or in a large population database (gnomAD), indicating this variant is rare. At this time, the clinical significance of this variant is uncertain due to the absence of conclusive functional and genetic evidence.

NM_020911.2(PLXNA4):c.1435G>C (p.Gly479Arg)

Gene: PLXNA4 (plexin A4; minus strand). Cytogenetic location: 7q32.3.
Variant type: single nucleotide variant.
Coding change: c.1435G>C on transcript NM_020911.2 (MANE Select); coding-DNA position 1435, G replaced by C.
Protein change: p.Gly479Arg; replaces glycine 479 with arginine.
Molecular consequence: missense variant.
Genome position (GRCh38, 1-based): chr7:132,298,159, C>G on the plus strand (G>C on the coding strand, the complement: PLXNA4 is on the minus strand). VCF-style: chr7-132298159-C-G. GRCh37 (hg19) VCF-style: chr7-131982918-C-G.
Other names: c.1435G>C, p.Gly479Arg (NM_001393897.1); short protein forms G479R.
Identifiers: ClinVar variation 4995940 (VCV004995940.1).